The following is an entry in ClinVar:

ClinVar aggregate classification (germline): Conflicting classifications of pathogenicity. Review status: criteria provided, conflicting classifications (1 of 4 stars). 5 submissions from 5 submitters: Uncertain significance (3); Likely benign (2). Last evaluated 2024-02-26.

Conditions:
Hereditary cancer-predisposing syndrome. Also called: Hereditary Cancer Syndrome; Neoplastic Syndromes, Hereditary; Tumor predisposition; Hereditary neoplastic syndrome. Identifiers: Orphanet 140162, MedGen C0027672, MeSH D009386, MONDO:0015356.
Breast-ovarian cancer, familial, susceptibility to, 2 (BROVCA2). Also called: BRCA2 Hereditary Breast and Ovarian Cancer. Identifiers: Orphanet 145, MedGen C2675520, MONDO:0012933, OMIM 612555. Disease mechanism: loss of function.
Familial cancer of breast. Also called: Hereditary breast cancer; hereditary breast carcinoma; BREAST CANCER, FAMILIAL. Identifiers: Orphanet 227535, MedGen C0346153, MONDO:0016419, OMIM 114480. Disease mechanism: loss of function.
Hereditary breast ovarian cancer syndrome. Also called: Hereditary breast and/or ovarian cancer syndrome; BRCA1- and BRCA2-Associated Hereditary Breast and Ovarian Cancer; Hereditary breast and ovarian cancer syndrome (HBOC); Hereditary breast and ovarian cancer; Hereditary breast and ovarian cancer syndrome; Breast and ovarian cancer. Identifiers: Orphanet 145, MedGen C0677776, MeSH D061325, MONDO:0003582. Disease mechanism: loss of function.

gnomAD v4.1: 1 of 1,584,752 alleles (0.000063%); highest among the groups gnomAD compares: Non-Finnish European, 0.000086%; no homozygotes.

Submissions (5):

Labcorp Genetics (formerly Invitae), Labcorp
Classification: Uncertain significance for Hereditary breast ovarian cancer syndrome. Last evaluated: 2024-02-26. Review status: criteria provided, single submitter. Criteria: Invitae Variant Classification Sherloc (09022015). Collection method: clinical testing. Allele origin: germline.
Comment: This sequence change replaces serine, which is neutral and polar, with threonine, which is neutral and polar, at codon 1328 of the BRCA2 protein (p.Ser1328Thr). This variant is not present in population databases (gnomAD no frequency). This variant has not been reported in the literature in individuals affected with BRCA2-related conditions. ClinVar contains an entry for this variant (Variation ID: 232363). Advanced modeling of protein sequence and biophysical properties (such as structural, functional, and spatial information, amino acid conservation, physicochemical variation, residue mobility, and thermodynamic stability) performed at Invitae indicates that this missense variant is not expected to disrupt BRCA2 protein function with a negative predictive value of 95%. In summary, the available evidence is currently insufficient to determine the role of this variant in disease. Therefore, it has been classified as a Variant of Uncertain Significance.

Ambry Genetics
Classification: Likely benign for Hereditary cancer-predisposing syndrome. Last evaluated: 2024-01-08. Review status: criteria provided, single submitter. Criteria: Ambry Variant Classification Scheme 2023. Collection method: clinical testing. Allele origin: germline.

University of Washington Department of Laboratory Medicine, University of Washington
Classification: Likely benign for Hereditary cancer-predisposing syndrome. Last evaluated: 2023-03-23. Review status: criteria provided, single submitter. Criteria: Dines et al. (Genet Med. 2020). Collection method: curation. Allele origin: germline.
Comment: Missense variant in a coldspot region where missense variants are very unlikely to be pathogenic (PMID:31911673).

BRCA2 exon 11 coldspot. Reclassification based on statistical prior probability.

Department of Pathology and Laboratory Medicine, Sinai Health System
Classification: Uncertain significance for Familial cancer of breast; Breast-ovarian cancer, familial, susceptibility to, 2. Last evaluated: 2022-03-25. Review status: criteria provided, single submitter. Criteria: ACMG Guidelines, 2015. Collection method: clinical testing. Allele origin: germline. Affected: yes.

Color Diagnostics, LLC DBA Color Health
Classification: Uncertain significance for Hereditary cancer-predisposing syndrome. Last evaluated: 2021-04-06. Review status: criteria provided, single submitter. Criteria: ACMG Guidelines, 2015. Collection method: clinical testing. Allele origin: germline.
Comment: This missense variant replaces serine with threonine at codon 1328 of the BRCA2 protein. Computational prediction suggests that this variant may not impact protein structure and function (internally defined REVEL score threshold <= 0.5, PMID: 27666373). To our knowledge, functional studies have not been reported for this variant. This variant has been reported in a breast cancer case-control study in one unaffected individual and absent in 60466 cases (PMID: 334719919; Leiden Open Variation Database DB-ID BRCA2_008127). This variant has not been identified in the general population by the Genome Aggregation Database (gnomAD). The available evidence is insufficient to determine the role of this variant in disease conclusively. Therefore, this variant is classified as a Variant of Uncertain Significance.

Literature cited by the submitters: PubMed 29884841 (cited by Ambry Genetics); PubMed 30287823 (cited by Ambry Genetics and Department of Pathology and Laboratory Medicine, Sinai Health System).

NM_000059.4(BRCA2):c.3983G>C (p.Ser1328Thr)

Gene: BRCA2 (BRCA2 DNA repair associated; plus strand). Cytogenetic location: 13q13.1.
Variant type: single nucleotide variant.
Coding change: c.3983G>C on transcript NM_000059.4 (MANE Select); coding-DNA position 3983, G replaced by C.
Protein change: p.Ser1328Thr; replaces serine 1328 with threonine.
Molecular consequence: missense variant.
Genome position (GRCh38, 1-based): chr13:32,338,338, G>C. VCF-style: chr13-32338338-G-C. GRCh37 (hg19) VCF-style: chr13-32912475-G-C.
Other names: short protein forms S1328T.
Identifiers: ClinVar variation 232363 (VCV000232363.20), dbSNP rs753690365, ClinGen allele CA10579597.